The following is an entry in ClinVar:

NM_000116.5(TAFAZZIN):c.836del (p.Thr279fs)

Gene: TAFAZZIN (tafazzin, phospholipid-lysophospholipid transacylase; plus strand). Cytogenetic location: Xq28.
Variant type: Deletion.
Coding change: c.836del on transcript NM_000116.5 (MANE Select); coding-DNA position 836, one base deleted (C; older notation c.836delC).
Protein change: p.Thr279fs; shifts the reading frame from threonine 279.
Molecular consequence: frameshift variant. On other transcripts: non-coding transcript variant (1).
Genome position (GRCh38, 1-based): chrX:154,420,961, C deleted. VCF-style (leftmost placement, unchanged base first): chrX-154420960-AC-A. GRCh37 (hg19) VCF-style: chrX-153649299-AC-A.
Other names: c.848del, p.Thr283fs (NM_001303465.2); c.746del, p.Thr249fs (NM_181311.4); c.794del, p.Thr265fs (NM_181312.4); c.704del, p.Thr235fs (NM_181313.4); short protein forms T249fs, T265fs, T235fs, T279fs, T283fs.
Identifiers: ClinVar variation 433548 (VCV000433548.2), dbSNP rs1557194525, ClinGen allele CA645373329.

ClinVar aggregate classification (germline): Likely pathogenic (0 of 4 stars; one submission).

Conditions:
3-Methylglutaconic aciduria type 2 (BTHS). Also called: Barth syndrome; CARDIOSKELETAL MYOPATHY WITH NEUTROPENIA AND ABNORMAL MITOCHONDRIA. Identifiers: Orphanet 111, MedGen C0574083, MONDO:0010543, OMIM 302060.

Submission:

Foundation for Research in Genetics and Endocrinology, FRIGE's Institute of Human Genetics
Classification: Likely pathogenic for 3-Methylglutaconic aciduria type 2. Last evaluated: 2017-08-21. Review status: no assertion criteria provided. Collection method: clinical testing. Allele origin: germline. Inheritance: X-linked recessive inheritance. Affected: yes. Observed: 1 variant allele, 1 hemizygote.
Comment: This variant has not been reported in 1000 Genomes and ExAC databases. The in silico prediction of this variant is damaging by MutationTaster2.